The following is an entry in ClinVar:

ClinVar aggregate classification (germline): Pathogenic (1 of 4 stars; one submission).

Conditions:
Hereditary cancer-predisposing syndrome. Also called: Neoplastic Syndromes, Hereditary; Tumor predisposition; Hereditary neoplastic syndrome; Hereditary Cancer Syndrome. Identifiers: Orphanet 140162, MedGen C0027672, MeSH D009386, MONDO:0015356.

Submission:

Ambry Genetics
Classification: Pathogenic for Hereditary cancer-predisposing syndrome. Last evaluated: 2018-09-07. Review status: criteria provided, single submitter. Criteria: Ambry Variant Classification Scheme 2023. Collection method: clinical testing. Allele origin: germline.
Comment: The c.3556_3557delGTinsTTACAAT pathogenic mutation, located in coding exon 10 of the BRCA2 gene, results from the deletion of two nucleotides and insertion of 7 nucleotides causing a translational frameshift with a predicted alternate stop codon (p.V1186Lfs*13). This alteration is expected to result in loss of function by premature protein truncation or nonsense-mediated mRNA decay. As such, this alteration is interpreted as a disease-causing mutation.

NM_000059.4(BRCA2):c.3556delinsTTACAA (p.Val1186fs)

Gene: BRCA2 (BRCA2 DNA repair associated; plus strand). Cytogenetic location: 13q13.1.
Variant type: Indel.
Coding change: c.3556delinsTTACAA on transcript NM_000059.4 (MANE Select); coding-DNA position 3556, G replaced by TTACAA.
Protein change: p.Val1186fs; shifts the reading frame from valine 1186.
Molecular consequence: frameshift variant.
Genome position (GRCh38, 1-based): chr13:32,337,911, G replaced by TTACAA. VCF-style: chr13-32337911-G-TTACAA. GRCh37 (hg19) VCF-style: chr13-32912048-G-TTACAA.
Other names: short protein forms V1186fs.
Identifiers: ClinVar variation 823921 (VCV000823921.4), dbSNP rs1593899885, ClinGen allele CA915948454.